The following is an entry in ClinVar:

ClinVar aggregate classification (germline): Uncertain significance (1 of 4 stars; one submission).

Submission:

Ambry Genetics
Classification: Uncertain significance. Last evaluated: 2023-12-08. Review status: criteria provided, single submitter. Criteria: Ambry Variant Classification Scheme 2023. Collection method: clinical testing. Allele origin: germline.
Comment: The p.P217L variant (also known as c.650C>T), located in coding exon 1 of the TERF2IP gene, results from a C to T substitution at nucleotide position 650. The proline at codon 217 is replaced by leucine, an amino acid with similar properties. This amino acid position is conserved. In addition, this alteration is predicted to be tolerated by in silico analysis. Since supporting evidence is limited at this time, the clinical significance of this alteration remains unclear.

NM_018975.4(TERF2IP):c.650C>T (p.Pro217Leu)

Gene: TERF2IP (TERF2 interacting protein; plus strand). Cytogenetic location: 16q23.1.
Variant type: single nucleotide variant.
Coding change: c.650C>T on transcript NM_018975.4 (MANE Select); coding-DNA position 650, C replaced by T.
Protein change: p.Pro217Leu; replaces proline 217 with leucine.
Molecular consequence: missense variant. On other transcripts: non-coding transcript variant (1).
Genome position (GRCh38, 1-based): chr16:75,648,532, C>T. VCF-style: chr16-75648532-C-T. GRCh37 (hg19) VCF-style: chr16-75682430-C-T.
Other names: short protein forms P217L.
Identifiers: ClinVar variation 3227190 (VCV003227190.1), dbSNP rs1289468608, ClinGen allele CA396818370.